The following is an entry in ClinVar:

NM_015443.4(KANSL1):c.658A>T (p.Thr220Ser)

Gene: KANSL1 (KAT8 regulatory NSL complex subunit 1). Cytogenetic location: 17q21.31.
Variant type: single nucleotide variant.
Coding change: c.658A>T on transcript NM_015443.4 (MANE Select); coding-DNA position 658, A replaced by T.
Protein change: p.Thr220Ser; replaces threonine 220 with serine.
Molecular consequence: missense variant.
Genome position (GRCh38, 1-based): chr17:46,171,486, T>A on the plus strand (A>T on the coding strand, the complement: KANSL1 is on the minus strand). VCF-style: chr17-46171486-T-A. GRCh37 (hg19) VCF-style: chr17-44248852-T-A.
Other names: c.658A>T, p.Thr220Ser (NM_001193465.2, NM_001193466.2, NM_001379198.1); short protein forms T220S.
Identifiers: ClinVar variation 968633 (VCV000968633.9), dbSNP rs2046287355, ClinGen allele CA399981284.

ClinVar aggregate classification (germline): Uncertain significance (1 of 4 stars; one submission).

Conditions:
Koolen-de Vries syndrome (KDVS). Identifiers: Orphanet 96169, MedGen C1864871, MONDO:0012496, OMIM 610443.

Submission:

Labcorp Genetics (formerly Invitae), Labcorp
Classification: Uncertain significance for Koolen-de Vries syndrome. Last evaluated: 2022-07-25. Review status: criteria provided, single submitter. Criteria: Invitae Variant Classification Sherloc (09022015). Collection method: clinical testing. Allele origin: germline.
Comment: This variant is not present in population databases (gnomAD no frequency). Until the location of this sequence change can be resolved, the clinical significance of this variant remains uncertain. It has been classified as a Variant of Uncertain Significance. Algorithms developed to predict the effect of missense changes on protein structure and function (SIFT, PolyPhen-2, Align-GVGD) all suggest that this variant is likely to be tolerated. ClinVar contains an entry for this variant (Variation ID: 968633). This variant has not been reported in the literature in individuals with KANSL1-related conditions. This sequence change replaces threonine, which is neutral and polar, with serine, which is neutral and polar, at codon 220 of the KANSL1 protein (p.Thr220Ser). Due to the possible presence of a polymorphic segmental duplication, the location of the variant could not be unambiguously resolved. Variants with ambiguous mapping are still reported relative to the KANSL1 transcript.